The following is an entry in ClinVar:

NM_001358921.2(COQ2):c.-30A>G

Genes: COQ2 (coenzyme Q2, polyprenyltransferase; minus strand), LOC112997540 (Sharpr-MPRA regulatory region 13773; plus strand). Cytogenetic location: 4q21.23.
Variant type: single nucleotide variant.
Coding change: c.-30A>G on transcript NM_001358921.2 (MANE Select); 30 bases upstream of the start codon, A replaced by G.
Molecular consequence: 5 prime UTR variant. On other transcripts: missense variant (1).
Genome position (GRCh38, 1-based): chr4:83,284,794, T>C on the plus strand (A>G on the coding strand, the complement: COQ2 is on the minus strand). VCF-style: chr4-83284794-T-C. GRCh37 (hg19) VCF-style: chr4-84205947-T-C.
Other names: c.121A>G, p.Ile41Val (NM_015697.9); short protein forms I41V.
Identifiers: ClinVar variation 2058432 (VCV002058432.4), dbSNP rs2529783051, ClinGen allele CA357231307.

ClinVar aggregate classification (germline): Uncertain significance (1 of 4 stars; one submission).

Allele frequency attached by ClinVar (database versions not stated): gnomAD exomes below 0.00001.

Submission:

Labcorp Genetics (formerly Invitae), Labcorp
Classification: Uncertain significance. Last evaluated: 2021-12-24. Review status: criteria provided, single submitter. Criteria: Invitae Variant Classification Sherloc (09022015). Collection method: clinical testing. Allele origin: germline.
Comment: This sequence change replaces isoleucine, which is neutral and non-polar, with valine, which is neutral and non-polar, at codon 41 of the COQ2 protein (p.Ile41Val). This variant is not present in population databases (gnomAD no frequency). This variant has not been reported in the literature in individuals affected with COQ2-related conditions. Algorithms developed to predict the effect of missense changes on protein structure and function are either unavailable or do not agree on the potential impact of this missense change (SIFT: "Deleterious"; PolyPhen-2: "Benign"; Align-GVGD: "Class C0"). In summary, the available evidence is currently insufficient to determine the role of this variant in disease. Therefore, it has been classified as a Variant of Uncertain Significance.